The following is an entry in ClinVar:

NM_178452.6(DNAAF1):c.1838C>A (p.Thr613Asn)

Gene: DNAAF1 (dynein axonemal assembly factor 1; plus strand). Cytogenetic location: 16q24.1.
Variant type: single nucleotide variant.
Coding change: c.1838C>A on transcript NM_178452.6 (MANE Select); coding-DNA position 1838, C replaced by A.
Protein change: p.Thr613Asn; replaces threonine 613 with asparagine.
Molecular consequence: missense variant.
Genome position (GRCh38, 1-based): chr16:84,176,072, C>A. VCF-style: chr16-84176072-C-A. GRCh37 (hg19) VCF-style: chr16-84209678-C-A.
Other names: c.1130C>A, p.Thr377Asn (NM_001318756.1); short protein forms T613N, T377N.
Identifiers: ClinVar variation 320779 (VCV000320779.16), dbSNP rs145075337, ClinGen allele CA8203045.

ClinVar aggregate classification (germline): Uncertain significance. Review status: criteria provided, multiple submitters, no conflicts (2 of 4 stars). 4 submissions from 4 submitters: Uncertain significance (4). Last evaluated 2024-11-21.

Conditions:
Primary ciliary dyskinesia. Also called: Ciliary dyskinesia. Identifiers: Orphanet 244, MedGen C0008780, MONDO:0016575, HP:0012265.
Primary ciliary dyskinesia 13. Also called: CILIARY DYSKINESIA, PRIMARY, 13, WITH OR WITHOUT SITUS INVERSUS. Identifiers: Orphanet 244, MedGen C2750790, MONDO:0013174, OMIM 613193.

Allele frequency attached by ClinVar (database versions not stated): ESP Exome Variant Server 0.00008; ExAC 0.00012; gnomAD exomes 0.00017; TOPMed 0.00018; gnomAD 0.00020.
gnomAD v4.1: 419 of 1,613,952 alleles (0.026%); highest among the groups gnomAD compares: Non-Finnish European, 0.034%; no homozygotes.

Submissions (4):

Blueprint Genetics
Classification: Uncertain significance. Last evaluated: 2024-11-21. Review status: criteria provided, single submitter. Criteria: ACMG Guidelines, 2015. Collection method: clinical testing. Allele origin: germline.

Labcorp Genetics (formerly Invitae), Labcorp
Classification: Uncertain significance for Primary ciliary dyskinesia. Last evaluated: 2022-08-09. Review status: criteria provided, single submitter. Criteria: Invitae Variant Classification Sherloc (09022015). Collection method: clinical testing. Allele origin: germline.
Comment: This sequence change replaces threonine, which is neutral and polar, with asparagine, which is neutral and polar, at codon 613 of the DNAAF1 protein (p.Thr613Asn). This variant is present in population databases (rs145075337, gnomAD 0.04%). This variant has not been reported in the literature in individuals affected with DNAAF1-related conditions. ClinVar contains an entry for this variant (Variation ID: 320779). Algorithms developed to predict the effect of missense changes on protein structure and function (SIFT, PolyPhen-2, Align-GVGD) all suggest that this variant is likely to be tolerated. In summary, the available evidence is currently insufficient to determine the role of this variant in disease. Therefore, it has been classified as a Variant of Uncertain Significance.

Revvity Omics, Revvity
Classification: Uncertain significance for Primary ciliary dyskinesia 13. Last evaluated: 2019-08-22. Review status: criteria provided, single submitter. Criteria: ACMG Guidelines, 2015. Collection method: clinical testing. Allele origin: germline.

Illumina Laboratory Services, Illumina
Classification: Uncertain significance for Primary ciliary dyskinesia 13. Last evaluated: 2018-01-12. Review status: criteria provided, single submitter. Criteria: ICSL Variant Classification Criteria 13 December 2019. Collection method: clinical testing. Allele origin: germline.